The following is an entry in ClinVar:

ClinVar aggregate classification (germline): Pathogenic/Likely pathogenic. Review status: criteria provided, multiple submitters, no conflicts (2 of 4 stars). 8 submissions from 8 submitters: Pathogenic (4); Likely pathogenic (3). 1 of the submissions does not count toward it. Last evaluated 2025-09-02.

Conditions:
Hereditary cancer-predisposing syndrome. Also called: Hereditary Cancer Syndrome; Neoplastic Syndromes, Hereditary; Tumor predisposition; Hereditary neoplastic syndrome. Identifiers: Orphanet 140162, MedGen C0027672, MeSH D009386, MONDO:0015356.
NBN-related disorder. Also called: NBN-related condition.
Aplastic anemia. Identifiers: Orphanet 182040, Orphanet 88, MedGen C0002874, MONDO:0015909, OMIM 609135, HP:0001915.
Microcephaly, normal intelligence and immunodeficiency (NBS). Also called: BERLIN BREAKAGE SYNDROME; Ataxia telangiectasia variant V1; IMMUNODEFICIENCY, MICROCEPHALY, AND CHROMOSOMAL INSTABILITY; SEEMANOVA SYNDROME II; Nijmegen breakage syndrome; Microcephaly with normal intelligence immunodeficiency and lymphoreticular malignancies. Identifiers: Orphanet 647, MedGen C0398791, MONDO:0009623, OMIM 251260.

Allele frequency attached by ClinVar (database versions not stated): gnomAD exomes below 0.00001 and 0.00001; TOPMed below 0.00001.
gnomAD v4.1: 9 of 1,613,586 alleles (0.00056%); highest among the groups gnomAD compares: Non-Finnish European, 0.00076%; no homozygotes.

Submissions (8):

Natera, Inc.
Classification: Pathogenic for Nijmegen breakage syndrome. Last evaluated: 2025-09-02. Review status: criteria provided, single submitter. Criteria: Natera Variant Classification Schema (03/2026). Collection method: clinical testing. Allele origin: germline.
Comment: The c.995-2A>G variant in NBN is a canonical splice acceptor site variant predicted to affect pre-mRNA splicing, which may result in an abnormal transcript and altered protein product. This variant is expected to result in nonsense mediated decay, truncation, or a dysfunctional protein product. This variant is rare in the general population with a frequency below the threshold expected for the associated phenotype(s). This variant has been observed in one or more individuals affected with the associated recessive disease, as either homozygous or compound heterozygous with a second variant (PMID: 39007137, 36964972). Given the available evidence, this variant is classified as Pathogenic.

Labcorp Genetics (formerly Invitae), Labcorp
Classification: Likely pathogenic for Microcephaly, normal intelligence and immunodeficiency. Last evaluated: 2025-07-31. Review status: criteria provided, single submitter. Criteria: Invitae Variant Classification Sherloc (09022015). Collection method: clinical testing. Allele origin: germline.
Comment: This sequence change affects an acceptor splice site in intron 8 of the NBN gene. It is expected to disrupt RNA splicing. Variants that disrupt the donor or acceptor splice site typically lead to a loss of protein function (PMID: 16199547), and loss-of-function variants in NBN are known to be pathogenic (PMID: 9590180, 16415040). This variant is present in population databases (no rsID available, gnomAD 0.0009%). Disruption of this splice site has been observed in individual(s) with ovarian cancer or clinical features of Nijmegen breakage syndrome (PMID: 26315354, 36964972). ClinVar contains an entry for this variant (Variation ID: 232050). Algorithms developed to predict the effect of sequence changes on RNA splicing suggest that this variant may disrupt the consensus splice site. In summary, the currently available evidence indicates that the variant is pathogenic, but additional data are needed to prove that conclusively. Therefore, this variant has been classified as Likely Pathogenic.

Ambry Genetics
Classification: Likely pathogenic for Hereditary cancer-predisposing syndrome. Last evaluated: 2024-01-10. Review status: criteria provided, single submitter. Criteria: Ambry Variant Classification Scheme 2023. Collection method: clinical testing. Allele origin: germline.
Comment: The c.995-2A>G intronic variant results from an A to G substitution two nucleotides upstream from coding exon 9 in the NBN gene. In one study, this alteration was observed in 1/3236 cases with invasive epithelial ovarian cancer and 0/3431 controls (Ramus SJ et al. J. Natl. Cancer Inst., 2015 Nov;107). This allele was reported in one heterozygous individual in population-based cohorts in the Genome Aggregation Database (gnomAD). This nucleotide position is highly conserved in available vertebrate species. In silico splice site analysis predicts that this alteration will weaken the native splice acceptor site and will result in the creation or strengthening of a novel splice acceptor site. Alterations that disrupt the canonical splice site are expected to cause aberrant splicing, resulting in an abnormal protein or a transcript that is subject to nonsense-mediated mRNA decay. As such, this alteration is classified as likely pathogenic.

Baylor Genetics
Classification: Pathogenic for Aplastic anemia. Last evaluated: 2023-03-03. Review status: criteria provided, single submitter. Criteria: ACMG Guidelines, 2015. Collection method: clinical testing. Allele origin: unknown.

PreventionGenetics, part of Exact Sciences
Classification: Likely pathogenic for NBN-related condition. Last evaluated: 2023-03-02. Review status: criteria provided, single submitter. Criteria: ACMG Guidelines, 2015. Collection method: clinical testing. Allele origin: germline.
Comment: The NBN c.995-2A>G variant is predicted to disrupt the AG splice acceptor site and interfere with normal splicing. This variant was reported in an individual with ovarian cancer (Ramus et al. 2015. PubMed ID: 26315354, supplementary data). This variant is reported in 0.00088% of alleles in individuals of European (Non-Finnish) descent in gnomAD. Variants that disrupt the consensus splice acceptor site in NBN are expected to be pathogenic. This variant is interpreted as likely pathogenic.

GeneDx
Classification: Pathogenic. Last evaluated: 2021-11-11. Review status: criteria provided, single submitter. Criteria: GeneDx Variant Classification Process June 2021. Collection method: clinical testing. Allele origin: germline. Affected: yes.
Comment: Canonical splice site variant predicted to result in a null allele in a gene for which loss-of-function is a known mechanism of disease; Not observed at a significant frequency in large population cohorts (Lek 2016); Observed in the heterozygous state in individuals with a personal history ovarian cancer (Ramus 2015); This variant is associated with the following publications: (PMID: 26315354)

Genome-Nilou Lab
Classification: Pathogenic for Microcephaly, normal intelligence and immunodeficiency. Last evaluated: 2021-11-07. Review status: criteria provided, single submitter. Criteria: ACMG Guidelines, 2015. Collection method: clinical testing. Allele origin: germline. Affected: no.

Counsyl
Classification: Likely pathogenic for Microcephaly, normal intelligence and immunodeficiency. Last evaluated: 2017-03-03. Review status: no assertion criteria provided. Collection method: clinical testing. Allele origin: unknown. Not counted in ClinVar's aggregate classification.

Literature cited by the submitters: PubMed 39007137 (cited by Natera, Inc.); PubMed 36964972 (cited by Natera, Inc. and Labcorp Genetics (formerly Invitae), Labcorp); PubMed 16199547 (cited by Labcorp Genetics (formerly Invitae), Labcorp); PubMed 9590180 (cited by Labcorp Genetics (formerly Invitae), Labcorp); PubMed 16415040 (cited by Labcorp Genetics (formerly Invitae), Labcorp); PubMed 26315354 (cited by Labcorp Genetics (formerly Invitae), Labcorp and Ambry Genetics).

NM_002485.5(NBN):c.995-2A>G

Gene: NBN (nibrin; minus strand). Cytogenetic location: 8q21.3.
Variant type: single nucleotide variant.
Coding change: c.995-2A>G on transcript NM_002485.5 (MANE Select); the canonical splice acceptor site of the intron before coding-DNA position 995, A replaced by G.
Molecular consequence: splice acceptor variant.
Genome position (GRCh38, 1-based): chr8:89,958,856, T>C on the plus strand (A>G on the coding strand, the complement: NBN is on the minus strand). VCF-style: chr8-89958856-T-C. GRCh37 (hg19) VCF-style: chr8-90971084-T-C.
Other names: c.749-2A>G (NM_001024688.3).
Identifiers: ClinVar variation 232050 (VCV000232050.29), dbSNP rs876659521, ClinGen allele CA10578779.